The following is an entry in ClinVar:

NM_000094.4(COL7A1):c.4222C>T (p.Arg1408Trp)

Gene: COL7A1 (collagen type VII alpha 1 chain; minus strand). Cytogenetic location: 3p21.31.
Variant type: single nucleotide variant.
Coding change: c.4222C>T on transcript NM_000094.4 (MANE Select); coding-DNA position 4222, C replaced by T.
Protein change: p.Arg1408Trp; replaces arginine 1408 with tryptophan.
Molecular consequence: missense variant.
Genome position (GRCh38, 1-based): chr3:48,584,037, G>A on the plus strand (C>T on the coding strand, the complement: COL7A1 is on the minus strand). VCF-style: chr3-48584037-G-A. GRCh37 (hg19) VCF-style: chr3-48621470-G-A.
Other names: p.Arg1408Trp; short protein forms R1408W.
Identifiers: ClinVar variation 764356 (VCV000764356.13), dbSNP rs143126677, ClinGen allele CA2380161.

ClinVar aggregate classification (germline): Conflicting classifications of pathogenicity. Review status: criteria provided, conflicting classifications (1 of 4 stars). 5 submissions from 5 submitters: Uncertain significance (2); Likely benign (2). 1 of the submissions does not count toward it. Last evaluated 2026-08-05.

Conditions:
Recessive dystrophic epidermolysis bullosa (RDEB). Also called: Epidermolysis Bullosa Distrophica Autosomal Recessive (RDEB); EPIDERMOLYSIS BULLOSA DYSTROPHICA, GENERALIZED SEVERE, AUTOSOMAL RECESSIVE; Hallopeau-Siemens Disease; severe generalized recessive dystrophic epidermolysis bullosa; DYSTROPHIC EPIDERMOLYSIS BULLOSA, AUTOSOMAL RECESSIVE; EPIDERMOLYSIS BULLOSA DYSTROPHICA, HALLOPEAU-SIEMENS TYPE. Identifiers: Orphanet 79408, Orphanet 79409, MedGen C0079474, MONDO:0009179, OMIM 226600.
Generalized dominant dystrophic epidermolysis bullosa (DDEB). Also called: Dominant DEB (DDEB); DDEB, generalized; DDEB-gen; DYSTROPHIC EPIDERMOLYSIS BULLOSA, AUTOSOMAL DOMINANT; Epidermolysis bullosa dystrophica, autosomal dominant. Identifiers: Orphanet 231568, MedGen C0432322, MONDO:0007549, OMIM 131750.
COL7A1-related disorder. Also called: COL7A1-related condition; COL7A1- related disorders.

Allele frequency attached by ClinVar (database versions not stated): gnomAD exomes 0.00007 and 0.00023; ExAC 0.00023; ESP Exome Variant Server 0.00069; gnomAD 0.00076 and 0.00084; TOPMed 0.00090; 1000 Genomes Project 0.00120; 1000 Genomes Project 30x 0.00125.
gnomAD v4.1: 225 of 1,614,106 alleles (0.014%); highest among the groups gnomAD compares: African/African-American, 0.25%; 2 homozygotes.

Submissions (5):

Myriad Genetics, Inc.
Classification: Uncertain significance for Recessive dystrophic epidermolysis bullosa. Last evaluated: 2026-08-05. Review status: criteria provided, single submitter. Criteria: Myriad Autosomal Dominant, Autosomal Recessive and X-Linked Classification Criteria (2023). Collection method: clinical testing. Allele origin: unknown.
Comment: NM_000094.3(COL7A1):c.4222C>T(R1408W) is a missense variant classified as a variant of uncertain significance in the context of dystrophic epidermolysis bullosa. R1408W has not been observed in cases with relevant disease. Relevant functional assessments of this variant are not available in the literature. R1408W has been observed in referenced population frequency databases. In summary, there is insufficient evidence to classify NM_000094.3(COL7A1):c.4222C>T(R1408W) as pathogenic or benign. Please note: this variant was assessed in the context of healthy population screening.

PreventionGenetics, part of Exact Sciences
Classification: Likely benign for COL7A1-related condition. Last evaluated: 2026-07-30. Review status: criteria provided, single submitter. Criteria: ACMG Guidelines, 2015. Collection method: clinical testing. Allele origin: germline.
Comment: This variant is classified as likely benign based on ACMG/AMP sequence variant interpretation guidelines (Richards et al. 2015 PMID: 25741868, with internal and published modifications).

Labcorp Genetics (formerly Invitae), Labcorp
Classification: Likely benign. Last evaluated: 2026-01-25. Review status: criteria provided, single submitter. Criteria: Invitae Variant Classification Sherloc (09022015). Collection method: clinical testing. Allele origin: germline.

Mayo Clinic Laboratories, Mayo Clinic
Classification: Uncertain significance. Last evaluated: 2025-01-16. Review status: criteria provided, single submitter. Criteria: ACMG Guidelines, 2015. Collection method: clinical testing. Allele origin: germline. Observed: 1 variant allele.
Comment: BS1

Natera, Inc.
Classification: Benign for Autosomal dominant dystrophic epidermolysis bullosa. Last evaluated: 2020-05-02. Review status: no assertion criteria provided. Collection method: clinical testing. Allele origin: germline. Not counted in ClinVar's aggregate classification.